The following is an entry in ClinVar:

ClinVar aggregate classification (germline): Likely pathogenic. Review status: criteria provided, single submitter (1 of 4 stars). 2 submissions from 2 submitters: Likely pathogenic (1). 1 of the submissions does not count toward it. Last evaluated 2024-06-25.

Conditions:
Hereditary cancer-predisposing syndrome. Also called: Tumor predisposition; Neoplastic Syndromes, Hereditary; Hereditary neoplastic syndrome; Hereditary Cancer Syndrome. Identifiers: Orphanet 140162, MedGen C0027672, MeSH D009386, MONDO:0015356.
Breast-ovarian cancer, familial, susceptibility to, 2 (BROVCA2). Also called: BRCA2 Hereditary Breast and Ovarian Cancer. Identifiers: Orphanet 145, MedGen C2675520, MONDO:0012933, OMIM 612555. Disease mechanism: loss of function.

Submissions (2):

Ambry Genetics
Classification: Likely pathogenic for Hereditary cancer-predisposing syndrome. Last evaluated: 2024-06-25. Review status: criteria provided, single submitter. Criteria: Ambry Variant Classification Scheme 2023. Collection method: clinical testing. Allele origin: germline.
Comment: The c.8754+2T>G intronic variant results from a T to G substitution two nucleotides after coding exon 20 in the BRCA2 gene. This variant is considered to be rare based on population cohorts in the Genome Aggregation Database (gnomAD). This nucleotide position is highly conserved in available vertebrate species. In silico splice site analysis predicts that this alteration will weaken the native splice donor site and will result in the creation or strengthening of a novel splice donor site. Alterations that disrupt the canonical splice site are expected to cause aberrant splicing, resulting in an abnormal protein or a transcript that is subject to nonsense-mediated mRNA decay. As such, this alteration is classified as likely pathogenic.

Sharing Clinical Reports Project (SCRP)
Classification: Pathogenic for Breast-ovarian cancer, familial 2. Last evaluated: 2012-01-13. Review status: no assertion criteria provided. Collection method: clinical testing. Allele origin: germline. Not counted in ClinVar's aggregate classification.

NM_000059.4(BRCA2):c.8754+2T>G

Gene: BRCA2 (BRCA2 DNA repair associated; plus strand). Cytogenetic location: 13q13.1.
Variant type: single nucleotide variant.
Coding change: c.8754+2T>G on transcript NM_000059.4 (MANE Select); the canonical splice donor site of the intron after coding-DNA position 8754, T replaced by G.
Molecular consequence: splice donor variant.
Genome position (GRCh38, 1-based): chr13:32,376,793, T>G. VCF-style: chr13-32376793-T-G. GRCh37 (hg19) VCF-style: chr13-32950930-T-G.
Other names: IVS21+2T>G; c.8754+2T>G (NM_001432077.1, NM_001406720.1); c.8658+2T>G (NM_001406719.1); c.3822+2T>G (NM_001406721.1); c.2337+2T>G (NM_001406722.1).
Identifiers: ClinVar variation 38181 (VCV000038181.3), dbSNP rs397507412, ClinGen allele CA025804.